The following is an entry in ClinVar:

ClinVar aggregate classification (germline): Uncertain significance (1 of 4 stars; one submission).

Allele frequency attached by ClinVar (database versions not stated): ExAC 0.00001; gnomAD 0.00003; TOPMed 0.00003; ESP Exome Variant Server 0.00008.
gnomAD v4.1: 86 of 1,614,122 alleles (0.0053%); highest among the groups gnomAD compares: Non-Finnish European, 0.0068%; no homozygotes.

Submission:

Labcorp Genetics (formerly Invitae), Labcorp
Classification: Uncertain significance. Last evaluated: 2022-08-20. Review status: criteria provided, single submitter. Criteria: Invitae Variant Classification Sherloc (09022015). Collection method: clinical testing. Allele origin: germline.
Comment: This sequence change replaces glutamic acid, which is acidic and polar, with glutamine, which is neutral and polar, at codon 503 of the SLC1A4 protein (p.Glu503Gln). This variant is present in population databases (rs370627888, gnomAD 0.002%). This variant has not been reported in the literature in individuals affected with SLC1A4-related conditions. Algorithms developed to predict the effect of missense changes on protein structure and function (SIFT, PolyPhen-2, Align-GVGD) all suggest that this variant is likely to be disruptive. In summary, the available evidence is currently insufficient to determine the role of this variant in disease. Therefore, it has been classified as a Variant of Uncertain Significance.

NM_003038.5(SLC1A4):c.1507G>C (p.Glu503Gln)

Gene: SLC1A4 (solute carrier family 1 member 4; plus strand). Cytogenetic location: 2p14.
Variant type: single nucleotide variant.
Coding change: c.1507G>C on transcript NM_003038.5 (MANE Select); coding-DNA position 1507, G replaced by C.
Protein change: p.Glu503Gln; replaces glutamic acid 503 with glutamine.
Molecular consequence: missense variant.
Genome position (GRCh38, 1-based): chr2:65,021,054, G>C. VCF-style: chr2-65021054-G-C. GRCh37 (hg19) VCF-style: chr2-65248188-G-C.
Other names: c.613G>C, p.Glu205Gln (NM_001193493.2); c.847G>C, p.Glu283Gln (NM_001348406.2, NM_001348407.2); short protein forms E283Q, E205Q, E503Q.
Identifiers: ClinVar variation 1948800 (VCV001948800.2), dbSNP rs370627888, ClinGen allele CA1686192.